The following is an entry in ClinVar:

NM_003872.3(NRP2):c.1522G>A (p.Gly508Arg)

Gene: NRP2 (neuropilin 2; plus strand). Cytogenetic location: 2q33.3.
Variant type: single nucleotide variant.
Coding change: c.1522G>A on transcript NM_003872.3 (MANE Select); coding-DNA position 1522, G replaced by A.
Protein change: p.Gly508Arg; replaces glycine 508 with arginine.
Molecular consequence: missense variant.
Genome position (GRCh38, 1-based): chr2:205,743,433, G>A. VCF-style: chr2-205743433-G-A. GRCh37 (hg19) VCF-style: chr2-206608157-G-A.
Other names: c.1522G>A, p.Gly508Arg (NM_018534.4, NM_201264.2, NM_201266.2 and 2 more transcripts); short protein forms G508R.
Identifiers: ClinVar variation 3054714 (VCV003054714.2), dbSNP rs182060947, ClinGen allele CA2069122.

ClinVar aggregate classification (germline): Likely benign (0 of 4 stars; one submission).

Conditions:
NRP2-related disorder. Also called: NRP2-related condition.

Allele frequency attached by ClinVar (database versions not stated): TOPMed 0.00006; gnomAD 0.00011; gnomAD exomes 0.00019; 1000 Genomes Project 0.00040; 1000 Genomes Project 30x 0.00047.
gnomAD v4.1: 298 of 1,614,220 alleles (0.018%); highest among the groups gnomAD compares: South Asian, 0.17%; 2 homozygotes.

Submission:

PreventionGenetics, part of Exact Sciences
Classification: Likely benign for NRP2-related condition. Last evaluated: 2024-04-09. Review status: no assertion criteria provided. Collection method: clinical testing. Allele origin: germline.
Comment: This variant is classified as likely benign based on ACMG/AMP sequence variant interpretation guidelines (Richards et al. 2015 PMID: 25741868, with internal and published modifications).